The following is an entry in ClinVar:

NM_001041.4(SI):c.4977C>G (p.Tyr1659Ter)

Gene: SI (sucrase-isomaltase; minus strand). Cytogenetic location: 3q26.1.
Variant type: single nucleotide variant.
Coding change: c.4977C>G on transcript NM_001041.4 (MANE Select); coding-DNA position 4977, C replaced by G.
Protein change: p.Tyr1659Ter; replaces tyrosine 1659 with a stop codon.
Molecular consequence: nonsense.
Genome position (GRCh38, 1-based): chr3:164,992,183, G>C on the plus strand (C>G on the coding strand, the complement: SI is on the minus strand). VCF-style: chr3-164992183-G-C. GRCh37 (hg19) VCF-style: chr3-164709971-G-C.
Other names: short protein forms Y1659*.
Identifiers: ClinVar variation 1444065 (VCV001444065.6), dbSNP rs2108127087, ClinGen allele CA355028504.
Genomic context (GRCh38, chr3:164,992,183, plus strand): 5'-AAACAATTACCCGTTTCTGTTTAGTTAATTCCCCAGAATTCCTTAAATACTTACTGTATG[G>C]TAGTCAAACCACCGAGCATTGGGGACGTAGGCATTTACAGTTTGAACATACTGGAATGTA-3'

ClinVar aggregate classification (germline): Pathogenic (1 of 4 stars; one submission).

Submission:

Labcorp Genetics (formerly Invitae), Labcorp
Classification: Pathogenic. Last evaluated: 2021-03-29. Review status: criteria provided, single submitter. Criteria: Invitae Variant Classification Sherloc (09022015). Collection method: clinical testing. Allele origin: germline.
Comment: Algorithms developed to predict the effect of sequence changes on RNA splicing suggest that this variant may create or strengthen a splice site, but this prediction has not been confirmed by published transcriptional studies. This sequence change creates a premature translational stop signal (p.Tyr1659*) in the SI gene. It is expected to result in an absent or disrupted protein product. Loss-of-function variants in SI are known to be pathogenic (PMID: 16329100, 23103650, 25452324). This variant is not present in population databases (ExAC no frequency). This variant has not been reported in the literature in individuals with SI-related conditions. For these reasons, this variant has been classified as Pathogenic.

Literature cited by the submitters: PubMed 16329100; PubMed 23103650; PubMed 25452324.